The following is an entry in ClinVar:

NM_015375.3(DSTYK):c.2519A>G (p.Tyr840Cys)

Gene: DSTYK (dual serine/threonine and tyrosine protein kinase; minus strand). Cytogenetic location: 1q32.1.
Variant type: single nucleotide variant.
Coding change: c.2519A>G on transcript NM_015375.3 (MANE Select); coding-DNA position 2519, A replaced by G.
Protein change: p.Tyr840Cys; replaces tyrosine 840 with cysteine.
Molecular consequence: missense variant. On other transcripts: intron variant (1).
Genome position (GRCh38, 1-based): chr1:205,148,288, T>C on the plus strand (A>G on the coding strand, the complement: DSTYK is on the minus strand). VCF-style: chr1-205148288-T-C. GRCh37 (hg19) VCF-style: chr1-205117416-T-C.
Other names: c.2468-543A>G (NM_199462.3); short protein forms Y840C.
Identifiers: ClinVar variation 2777863 (VCV002777863.3), dbSNP rs1308806650, ClinGen allele CA344388559.

ClinVar aggregate classification (germline): Uncertain significance (1 of 4 stars; one submission).

Allele frequency attached by ClinVar (database versions not stated): gnomAD exomes below 0.00001.
gnomAD v4.1: 4 of 1,614,102 alleles (0.00025%); highest among the groups gnomAD compares: Non-Finnish European, 0.00034%; no homozygotes.

Submission:

Labcorp Genetics (formerly Invitae), Labcorp
Classification: Uncertain significance. Last evaluated: 2025-09-02. Review status: criteria provided, single submitter. Criteria: Invitae Variant Classification Sherloc (09022015). Collection method: clinical testing. Allele origin: germline.
Comment: This sequence change replaces tyrosine, which is neutral and polar, with cysteine, which is neutral and slightly polar, at codon 840 of the DSTYK protein (p.Tyr840Cys). This variant is present in population databases (no rsID available, gnomAD 0.0009%). This variant has not been reported in the literature in individuals affected with DSTYK-related conditions. ClinVar contains an entry for this variant (Variation ID: 2777863). An algorithm developed to predict the effect of missense changes on protein structure and function (PolyPhen-2) suggests that this variant is likely to be disruptive. In summary, the available evidence is currently insufficient to determine the role of this variant in disease. Therefore, it has been classified as a Variant of Uncertain Significance.